The following is an entry in ClinVar:

ClinVar aggregate classification (germline): Uncertain significance. Review status: criteria provided, multiple submitters, no conflicts (2 of 4 stars). 2 submissions from 2 submitters: Uncertain significance (2). Last evaluated 2025-06-04.

Conditions:
Fanconi anemia complementation group J. Also called: BRIP1-Related Fanconi Anemia. Identifiers: Orphanet 84, MedGen C1836860, MONDO:0012187, OMIM 609054.
Familial cancer of breast. Also called: Hereditary breast cancer; hereditary breast carcinoma; BREAST CANCER, FAMILIAL. Identifiers: Orphanet 227535, MedGen C0346153, MONDO:0016419, OMIM 114480. Disease mechanism: loss of function.
Hereditary cancer-predisposing syndrome. Also called: Tumor predisposition; Neoplastic Syndromes, Hereditary; Hereditary Cancer Syndrome; Hereditary neoplastic syndrome. Identifiers: Orphanet 140162, MedGen C0027672, MeSH D009386, MONDO:0015356.

Submissions (2):

Labcorp Genetics (formerly Invitae), Labcorp
Classification: Uncertain significance for Familial cancer of breast; Fanconi anemia complementation group J. Last evaluated: 2025-06-04. Review status: criteria provided, single submitter. Criteria: Invitae Variant Classification Sherloc (09022015). Collection method: clinical testing. Allele origin: germline.
Comment: This sequence change replaces glycine, which is neutral and non-polar, with aspartic acid, which is acidic and polar, at codon 830 of the BRIP1 protein (p.Gly830Asp). This variant is not present in population databases (gnomAD no frequency). This variant has not been reported in the literature in individuals affected with BRIP1-related conditions. ClinVar contains an entry for this variant (Variation ID: 2626386). Invitae Evidence Modeling of protein sequence and biophysical properties (such as structural, functional, and spatial information, amino acid conservation, physicochemical variation, residue mobility, and thermodynamic stability) has been performed for this missense variant. However, the output from this modeling did not meet the statistical confidence thresholds required to predict the impact of this variant on BRIP1 protein function. In summary, the available evidence is currently insufficient to determine the role of this variant in disease. Therefore, it has been classified as a Variant of Uncertain Significance.

Ambry Genetics
Classification: Uncertain significance for Hereditary cancer-predisposing syndrome. Last evaluated: 2023-07-29. Review status: criteria provided, single submitter. Criteria: Ambry Variant Classification Scheme 2023. Collection method: clinical testing. Allele origin: germline.
Comment: The p.G830D variant (also known as c.2489G>A), located in coding exon 16 of the BRIP1 gene, results from a G to A substitution at nucleotide position 2489. The glycine at codon 830 is replaced by aspartic acid, an amino acid with similar properties. This amino acid position is conserved. In addition, this alteration is predicted to be deleterious by in silico analysis. Since supporting evidence is limited at this time, the clinical significance of this alteration remains unclear.

NM_032043.3(BRIP1):c.2489G>A (p.Gly830Asp)

Gene: BRIP1 (BRCA1 interacting DNA helicase 1; minus strand). Cytogenetic location: 17q23.2.
Variant type: single nucleotide variant.
Coding change: c.2489G>A on transcript NM_032043.3 (MANE Select); coding-DNA position 2489, G replaced by A.
Protein change: p.Gly830Asp; replaces glycine 830 with aspartic acid.
Molecular consequence: missense variant.
Genome position (GRCh38, 1-based): chr17:61,715,954, C>T on the plus strand (G>A on the coding strand, the complement: BRIP1 is on the minus strand). VCF-style: chr17-61715954-C-T. GRCh37 (hg19) VCF-style: chr17-59793315-C-T.
Other names: short protein forms G830D.
Identifiers: ClinVar variation 2626386 (VCV002626386.3), dbSNP rs2144378965, ClinGen allele CA400479390.